The following is an entry in ClinVar:

ClinVar aggregate classification (germline): Uncertain significance (1 of 4 stars; one submission).

Submission:

Labcorp Genetics (formerly Invitae), Labcorp
Classification: Uncertain significance. Last evaluated: 2021-08-27. Review status: criteria provided, single submitter. Criteria: Invitae Variant Classification Sherloc (09022015). Collection method: clinical testing. Allele origin: germline.
Comment: This sequence change replaces threonine with isoleucine at codon 375 of the ALPK3 protein (p.Thr375Ile). The threonine residue is moderately conserved and there is a moderate physicochemical difference between threonine and isoleucine. In summary, the available evidence is currently insufficient to determine the role of this variant in disease. Therefore, it has been classified as a Variant of Uncertain Significance. Algorithms developed to predict the effect of missense changes on protein structure and function are either unavailable or do not agree on the potential impact of this missense change (SIFT: "Deleterious"; PolyPhen-2: "Probably Damaging"; Align-GVGD: "Class C0"). This variant has not been reported in the literature in individuals affected with ALPK3-related conditions. This variant is not present in population databases (ExAC no frequency).

NM_020778.5(ALPK3):c.518C>T (p.Thr173Ile)

Gene: ALPK3 (alpha kinase 3; plus strand). Cytogenetic location: 15q25.3.
Variant type: single nucleotide variant.
Coding change: c.518C>T on transcript NM_020778.5 (MANE Select); coding-DNA position 518, C replaced by T.
Protein change: p.Thr173Ile; replaces threonine 173 with isoleucine.
Molecular consequence: missense variant.
Genome position (GRCh38, 1-based): chr15:84,839,797, C>T. VCF-style: chr15-84839797-C-T. GRCh37 (hg19) VCF-style: chr15-85383028-C-T.
Other names: short protein forms T173I.
Identifiers: ClinVar variation 1378053 (VCV001378053.6), dbSNP rs2141556205, ClinGen allele CA393372725.